The following is an entry in ClinVar:

ClinVar aggregate classification (germline): Likely pathogenic (1 of 4 stars; one submission).

Conditions:
Medium-chain acyl-coenzyme A dehydrogenase deficiency (ACADMD). Also called: MCADD; MCAD Deficiency; ACADM DEFICIENCY; Medium chain acyl-CoA dehydrogenase deficiency; MCADH DEFICIENCY; CARNITINE DEFICIENCY SECONDARY TO MEDIUM-CHAIN ACYL-CoA DEHYDROGENASE DEFICIENCY. Identifiers: Orphanet 42, MedGen C0220710, MONDO:0008721, OMIM 201450.

Submission:

Labcorp Genetics (formerly Invitae), Labcorp
Classification: Likely pathogenic for Medium-chain acyl-coenzyme A dehydrogenase deficiency. Last evaluated: 2024-06-08. Review status: criteria provided, single submitter. Criteria: Invitae Variant Classification Sherloc (09022015). Collection method: clinical testing. Allele origin: germline.
Comment: This sequence change affects an acceptor splice site in intron 2 of the ACADM gene. It is expected to disrupt RNA splicing. Variants that disrupt the donor or acceptor splice site typically lead to a loss of protein function (PMID: 16199547), and loss-of-function variants in ACADM are known to be pathogenic (PMID: 16121256, 20434380). This variant is not present in population databases (gnomAD no frequency). This variant has not been reported in the literature in individuals affected with ACADM-related conditions. ClinVar contains an entry for this variant (Variation ID: 842838). Algorithms developed to predict the effect of sequence changes on RNA splicing suggest that this variant may disrupt the consensus splice site. In summary, the currently available evidence indicates that the variant is pathogenic, but additional data are needed to prove that conclusively. Therefore, this variant has been classified as Likely Pathogenic.

Literature cited by the submitters: PubMed 16199547; PubMed 16121256; PubMed 20434380.

NM_000016.6(ACADM):c.119-1G>C

Gene: ACADM (acyl-CoA dehydrogenase medium chain; plus strand). Cytogenetic location: 1p31.1.
Variant type: single nucleotide variant.
Coding change: c.119-1G>C on transcript NM_000016.6 (MANE Select); the canonical splice acceptor site of the intron before coding-DNA position 119, G replaced by C.
Molecular consequence: splice acceptor variant.
Genome position (GRCh38, 1-based): chr1:75,732,643, G>C. VCF-style: chr1-75732643-G-C. GRCh37 (hg19) VCF-style: chr1-76198328-G-C.
Other names: c.131-1G>C (NM_001127328.3); c.119-1G>C (NM_001286043.2); c.11-1G>C (NM_001286042.2); c.-267-1G>C (NM_001286044.2).
Identifiers: ClinVar variation 842838 (VCV000842838.8), dbSNP rs1647165465, ClinGen allele CA340809066.